The following is an entry in ClinVar:

ClinVar aggregate classification (germline): Conflicting classifications of pathogenicity. Review status: criteria provided, conflicting classifications (1 of 4 stars). 3 submissions from 3 submitters: Uncertain significance (2); Likely benign (1). Last evaluated 2026-01-12.

Conditions:
Cardiovascular phenotype. Identifiers: MedGen CN230736.

Submissions (3):

Labcorp Genetics (formerly Invitae), Labcorp
Classification: Uncertain significance. Last evaluated: 2026-01-12. Review status: criteria provided, single submitter. Criteria: Invitae Variant Classification Sherloc (09022015). Collection method: clinical testing. Allele origin: germline.
Comment: This sequence change replaces lysine, which is basic and polar, with arginine, which is basic and polar, at codon 142 of the APOA1 protein (p.Lys142Arg). This variant is present in population databases (rs766981019, gnomAD 0.02%). This variant has not been reported in the literature in individuals affected with APOA1-related conditions. ClinVar contains an entry for this variant (Variation ID: 3615901). An algorithm developed to predict the effect of missense changes on protein structure and function outputs the following: PolyPhen-2: "Possibly Damaging". The arginine amino acid residue is found in multiple mammalian species, which suggests that this missense change does not adversely affect protein function. In summary, the available evidence is currently insufficient to determine the role of this variant in disease. Therefore, it has been classified as a Variant of Uncertain Significance.

Ambry Genetics
Classification: Uncertain significance for Cardiovascular phenotype. Last evaluated: 2025-08-24. Review status: criteria provided, single submitter. Criteria: Ambry Variant Classification Scheme 2023. Collection method: clinical testing. Allele origin: germline.
Comment: The p.K142R variant (also known as c.425A>G), located in coding exon 3 of the APOA1 gene, results from an A to G substitution at nucleotide position 425. The lysine at codon 142 is replaced by arginine, an amino acid with highly similar properties. This amino acid position is conserved. In addition, this alteration is predicted to be tolerated by in silico analysis. Based on the available evidence, the clinical significance of this variant remains unclear.

Blueprint Genetics
Classification: Likely benign. Last evaluated: 2022-07-21. Review status: criteria provided, single submitter. Criteria: ACMG Guidelines, 2015. Collection method: clinical testing. Allele origin: germline.

NM_000039.3(APOA1):c.425A>G (p.Lys142Arg)

Genes: APOA1 (apolipoprotein A1; minus strand), APOA1-AS (APOA1 antisense RNA; plus strand). Cytogenetic location: 11q23.3.
Variant type: single nucleotide variant.
Coding change: c.425A>G on transcript NM_000039.3 (MANE Select); coding-DNA position 425, A replaced by G.
Protein change: p.Lys142Arg; replaces lysine 142 with arginine.
Molecular consequence: missense variant. On other transcripts: non-coding transcript variant (1).
Genome position (GRCh38, 1-based): chr11:116,836,187, T>C on the plus strand (A>G on the coding strand, the complement: APOA1 is on the minus strand). VCF-style: chr11-116836187-T-C. GRCh37 (hg19) VCF-style: chr11-116706903-T-C.
Other names: c.425A>G, p.Lys142Arg (NM_001318017.2, NM_001318018.2, NM_001425090.1 and 1 more transcripts); c.98A>G, p.Lys33Arg (NM_001318021.2, NM_001425091.1, NM_001425092.1); short protein forms K142R, K33R.
Identifiers: ClinVar variation 3615901 (VCV003615901.4).